The following continues an entry in ClinVar:

NM_004004.6(GJB2):c.269T>C (p.Leu90Pro)

Gene: GJB2. ClinVar aggregate classification (germline): Pathogenic/Likely pathogenic. Pathogenic (50); Likely pathogenic (1).

Submissions 33 to 49 of 59:

Undiagnosed Diseases Network, NIH
Classification: Pathogenic for Autosomal recessive nonsyndromic hearing loss 1A. Last evaluated: 2019-01-11. Review status: criteria provided, single submitter. Criteria: ACMG Guidelines, 2015. Collection method: clinical testing. Allele origin: unknown. Inheritance: Autosomal recessive inheritance. Affected: yes. Observed: 1 variant allele, 1 homozygote.

Centre for Mendelian Genomics, University Medical Centre Ljubljana
Classification: Pathogenic for Autosomal dominant nonsyndromic hearing loss 3A. Last evaluated: 2019-01-10. Review status: criteria provided, single submitter. Criteria: ACMG Guidelines, 2015. Collection method: clinical testing. Allele origin: unknown. Affected: yes.
Comment: This variant was classified as: Pathogenic. The following ACMG criteria were applied in classifying this variant: PS1,PM2,PM3,PP2,PP3.

Institute of Human Genetics, University of Leipzig Medical Center
Classification: Pathogenic for Autosomal dominant keratitis-ichthyosis-hearing loss syndrome. Last evaluated: 2019-01-01. Review status: criteria provided, single submitter. Criteria: ACMG Guidelines, 2015. Collection method: clinical testing. Allele origin: unknown. Affected: no.

Centre of Medical Genetics, University Hospital Muenster
Classification: Pathogenic. Last evaluated: 2018-07-16. Review status: criteria provided, single submitter. Criteria: ACMG Guidelines, 2015. Collection method: clinical testing. Allele origin: germline. Affected: yes. Observed: 1 variant allele, 1 compound heterozygote.
Comment: ACMG categories: PS3,PM2,PM3,PP3,PP5

Clinical Genetics and Genomics, Karolinska University Hospital
Classification: Pathogenic. Last evaluated: 2018-03-14. Review status: criteria provided, single submitter. Criteria: ACMG Guidelines, 2015. Collection method: clinical testing. Allele origin: germline. Affected: yes. Observed: 6 variant alleles.

Women's Health and Genetics/Laboratory Corporation of America, LabCorp
Classification: Pathogenic for Deafness, autosomal recessive 1A. Last evaluated: 2017-09-01. Review status: criteria provided, single submitter. Criteria: LabCorp Variant Classification Summary - May 2015. Collection method: clinical testing. Allele origin: germline.
Comment: Variant summary: The GJB2 c.269T>C (p.Leu90Pro) variant involves the alteration of a conserved nucleotide. 5/5 in silico tools predict a damaging outcome for this variant, and this mutation affects a highly conserved residue of the encoded gap junction protein and has been shown to be coupling deficient by in vitro functional assays (Thonnissen_2001). The observed allele frequency in controls, including the large and diverse ExAC cohort, is 108/123096 (1/1140), which is lower than the maximal expected allele frequency for an ARNSHL-causing GJB2 variant (1/40). This variant has been reported in several NSHL patients in homozygous as well as compound heterozygous state with other pathogenic variants, including evidence of cosegregation with disease in multiple families (Rabionet_2000, Marlin_2001, Tang_2006, Salvago_2014). In addition, several diagnostic laboratories/reputable databases classify the variant as pathogenic. Taking all evidence together, this variant has been classified as pathogenic.

Laboratory for Molecular Medicine, Mass General Brigham Personalized Medicine
Classification: Pathogenic for Rare genetic deafness. Last evaluated: 2017-08-10. Review status: criteria provided, single submitter. Criteria: LMM Criteria. Collection method: clinical testing. Allele origin: germline. Inheritance: Autosomal recessive inheritance. Observed: 38 variant alleles.
Comment: The p.Leu90Pro variant in GJB2 is a common, well-known pathogenic variant for au tosomal recessive nonsyndromic hearing loss (Cryns 2004). The p.Leu90Pro variant has been identified in 0.12% (151/126606) of European chromosomes by the Genome Aggregation Database (gnomAD; dbSNP rs8033894 5). Although this variant has been seen in the general population, its frequency is low enough to be consistent with a recessive carrier frequency for hearing l oss. In summary, this variant meets criteria to be classified as pathogenic for non-syndromic hearing loss in an autosomal recessive manner. ACMG/AMP Criteria a pplied: PM3_VeryStrong; PS3; PP1; PP3.

Fulgent Genetics
Classification: Pathogenic for Mutilating keratoderma; Autosomal dominant keratitis-ichthyosis-hearing loss syndrome; Palmoplantar keratoderma-deafness syndrome; Knuckle pads, deafness AND leukonychia syndrome; Autosomal recessive nonsyndromic hearing loss 1A; X-linked mixed hearing loss with perilymphatic gusher; Autosomal dominant nonsyndromic hearing loss 3A. Last evaluated: 2017-05-18. Review status: criteria provided, single submitter. Criteria: ACMG Guidelines, 2015. Collection method: clinical testing. Allele origin: unknown.

Genomic Diagnostic Laboratory, Division of Genomic Diagnostics, Children's Hospital of Philadelphia
Classification: Pathogenic for Deafness, autosomal recessive 1A. Last evaluated: 2017-05-09. Review status: criteria provided, single submitter. Criteria: DGD Variant Analysis Guidelines. Collection method: clinical testing. Allele origin: germline. Affected: yes and no. Observed: 16 variant alleles.

Knight Diagnostic Laboratories, Oregon Health and Sciences University
Classification: Pathogenic for Autosomal recessive nonsyndromic hearing loss 1A. Last evaluated: 2016-02-25. Review status: criteria provided, single submitter. Criteria: ACMG Guidelines, 2015. Collection method: clinical testing. Allele origin: germline. Affected: no. Study: CSER-NextGen.
Comment: The c.269T>C (p.Leu90Pro) missense variant in the GJB2 gene is a common variant reported in individuals affected with autosomal recessive nonsyndromic hearing loss and deafness (LÃ¶ffler et al., 2001). This variant has been observed in trans with the well-characterized GJB2c.35delG variant (Denoyelle et al., 1999, LÃ¶ffler et al., 2001). Multiple studies have shown this variant impairs proper assembly and function of the gap junction channel (ThÃ¶nnissen et al., 2002; D'Andrea et al., 2002; Bruzzone et al., 2003; Palmada et al., 2006). This c.269T>C has been reported at low frequency or absent in three control population databases (Exome Sequencing Project [ESP] = 0.058%, 1000 Genomes = NA, and ExAC = 0.151%). Multiple lines of computational evidence predict a deleterious effect (GERP = 5.33; CADD = 23.5; PolyPhen = 1; SIFT = 0), and multiple reputable diagnostic laboratories report this variant as pathogenic. Therefore, this collective evidence supports the classification of the c.269T>C (p.Leu90Pro) as a recessive pathogenic variant for Nonsyndromic hearing loss and deafness.

CSER _CC_NCGL, University of Washington
Classification: Pathogenic for Hearing loss. Last evaluated: 2015-12-01. Review status: criteria provided, single submitter. Criteria: Amendola et al. (Genome Res. 2015). Collection method: research. Allele origin: germline. Inheritance: Autosomal recessive inheritance. Study: CSER - NEXT Medicine variant annotation.
Comment: .GERP=5.33.ExAC Alt Allele Frequencies=AFR:0.009%,NFE:0.149%,EAS:0.0%,SAS:0.006%,FIN:0.015%,AMR:0.017%,OTH:0.108%.The variant was found in publications with the following PMIDs:21287563;10218527;25214170;12505163;12176036;22975760;16300957;25087612;12189493

Eurofins Ntd Llc (ga)
Classification: Pathogenic. Last evaluated: 2014-11-10. Review status: criteria provided, single submitter. Criteria: EGL Classification Definitions. Collection method: clinical testing. Allele origin: germline. Observed: 8 variant alleles, 8 heterozygotes.

Centre for Mendelian Genomics, University Medical Centre Ljubljana
Classification: Pathogenic for Autosomal recessive nonsyndromic hearing loss 1A. Last evaluated: 2013-12-18. Review status: criteria provided, single submitter. Criteria: ACMG Guidelines, 2015. Collection method: clinical testing. Allele origin: unknown. Affected: yes.

Genetic Services Laboratory, University of Chicago
Classification: Pathogenic for Hearing impairment. Last evaluated: 2013-02-08. Review status: criteria provided, single submitter. Criteria: ACMG Guidelines, 2007. Collection method: clinical testing. Allele origin: germline. Inheritance: Autosomal recessive inheritance. Affected: yes.

Baylor Genetics
Classification: Pathogenic for Autosomal recessive nonsyndromic hearing loss 1A; Autosomal recessive nonsyndromic hearing loss 1B. Review status: criteria provided, single submitter. Criteria: ACMG Guidelines, 2015. Collection method: clinical testing. Allele origin: germline.

Center for Genomics, Ann and Robert H. Lurie Children's Hospital of Chicago
Classification: Pathogenic for Palmoplantar keratoderma-deafness syndrome; Autosomal recessive nonsyndromic hearing loss 1A; Autosomal dominant nonsyndromic hearing loss 3A; Autosomal dominant keratitis-ichthyosis-hearing loss syndrome; Knuckle pads, deafness AND leukonychia syndrome; Mutilating keratoderma. Review status: criteria provided, single submitter. Criteria: ACMG Guidelines, 2015. Collection method: clinical testing. Allele origin: germline.
Comment: GJB2 NM_004004.5 exon 2 p.Leu90Pro (c.269T>C): This variant has been reported in the literature in the homozygous or compound heterozygous state in several individuals with nonsyndromic hearing loss (D'Andrea 2002 PMID:12176036, Tekin 2003 PMID:14738110, Zoll 2003 PMID:12497637, Azaiez 2004 PMID:15365987, Mikstiene 2016 PMID:26896187, Likar 2018 PMID:29293505, Prasad 2018 PMID:29554876). This variant is also present in 0.1% (153/129066) of European alleles in the Genome Aggregation Database). Please note, disease causing variants may be present in control databases at low frequencies, reflective of the general population, carrier status, and/or variable expressivity. This variant is present in ClinVar, with several labs classifying this variant as pathogenic (Variation ID:17016). Evolutionary conservation and computational predictive tools suggest that this variant may impact the protein. In addition, functional studies have shown a deleterious effect of this variant through impairment of gap junction channel assembly and function (D'Andrea 2002 PMID:12176036, Bruzzone 2003 PMID:12505163, Palmada 2006 PMID:16300957). However, these studies may not accurately represent in vivo biological function. In summary, this variant is classified as pathogenic based on the data above.

Clinical Genetics Service, Universitary Hospital 12 de Octubre
Classification: Pathogenic for Autosomal recessive nonsyndromic hearing loss 1A. Review status: criteria provided, single submitter. Criteria: ACMG Guidelines, 2015. Collection method: clinical testing. Allele origin: germline. Affected: yes.